The following is an entry in ClinVar:

ClinVar aggregate classification (germline): Uncertain significance. Review status: criteria provided, multiple submitters, no conflicts (2 of 4 stars). 2 submissions from 2 submitters: Uncertain significance (2). Last evaluated 2022-12-25.

Conditions:
Intellectual developmental disorder with behavioral abnormalities and craniofacial dysmorphism with or without seizures. Identifiers: MedGen C5231476, MONDO:0032883, OMIM 618725.

Allele frequency attached by ClinVar (database versions not stated): gnomAD exomes below 0.00001 and 0.00002; TOPMed 0.00002; ExAC 0.00003.
gnomAD v4.1: 10 of 1,614,016 alleles (0.00062%); highest among the groups gnomAD compares: Admixed American, 0.0017%; no homozygotes.

Submissions (2):

Labcorp Genetics (formerly Invitae), Labcorp
Classification: Uncertain significance. Last evaluated: 2022-12-25. Review status: criteria provided, single submitter. Criteria: Invitae Variant Classification Sherloc (09022015). Collection method: clinical testing. Allele origin: germline.
Comment: This variant has not been reported in the literature in individuals affected with PHF21A-related conditions. In summary, the available evidence is currently insufficient to determine the role of this variant in disease. Therefore, it has been classified as a Variant of Uncertain Significance. Advanced modeling of protein sequence and biophysical properties (such as structural, functional, and spatial information, amino acid conservation, physicochemical variation, residue mobility, and thermodynamic stability) performed at Invitae indicates that this missense variant is not expected to disrupt PHF21A protein function. ClinVar contains an entry for this variant (Variation ID: 1696683). This variant is present in population databases (rs780150629, gnomAD 0.004%). This sequence change replaces valine, which is neutral and non-polar, with isoleucine, which is neutral and non-polar, at codon 137 of the PHF21A protein (p.Val137Ile).

New York Genome Center
Classification: Uncertain significance for Intellectual developmental disorder with behavioral abnormalities and craniofacial dysmorphism with or without seizures. Last evaluated: 2021-09-03. Review status: criteria provided, single submitter. Criteria: NYGC Assertion Criteria 2020. Collection method: clinical testing. Allele origin: germline. Observed: 1 heterozygote. Study: CSER-NYCKidSeq.

NM_001352027.3(PHF21A):c.409G>A (p.Val137Ile)

Gene: PHF21A (PHD finger protein 21A; minus strand). Cytogenetic location: 11p11.2.
Variant type: single nucleotide variant.
Coding change: c.409G>A on transcript NM_001352027.3 (MANE Select); coding-DNA position 409, G replaced by A.
Protein change: p.Val137Ile; replaces valine 137 with isoleucine.
Molecular consequence: missense variant. On other transcripts: non-coding transcript variant (2).
Genome position (GRCh38, 1-based): chr11:45,971,319, C>T on the plus strand (G>A on the coding strand, the complement: PHF21A is on the minus strand). VCF-style: chr11-45971319-C-T. GRCh37 (hg19) VCF-style: chr11-45992870-C-T.
Other names: c.409G>A, p.Val137Ile (NM_001101802.3, NM_001352025.3, NM_001352026.3 and 5 more transcripts); c.406G>A, p.Val136Ile (NM_001352030.3); short protein forms V136I, V137I.
Identifiers: ClinVar variation 1696683 (VCV001696683.4), dbSNP rs780150629, ClinGen allele CA5961351.